The following is an entry in ClinVar:

ClinVar aggregate classification (germline): Conflicting classifications of pathogenicity. Review status: criteria provided, conflicting classifications (1 of 4 stars). 3 submissions from 3 submitters: Uncertain significance (1); Likely benign (1). 1 of the submissions does not count toward it. Last evaluated 2025-01-02.

Conditions:
Familial focal epilepsy with variable foci (FPEVF). Identifiers: Orphanet 98820, MedGen C1858477, MONDO:0020310.
DEPDC5-related disorder. Also called: DEPDC5-related condition; DEPDC5-related related disorder.
Inborn genetic diseases. Identifiers: MedGen C0950123, MeSH D030342.

Allele frequency attached by ClinVar (database versions not stated): TOPMed 0.00001; gnomAD 0.00002; gnomAD exomes 0.00002; ExAC 0.00007.
gnomAD v4.1: 31 of 1,613,062 alleles (0.0019%); highest among the groups gnomAD compares: South Asian, 0.0055%; no homozygotes.

Submissions (3):

Labcorp Genetics (formerly Invitae), Labcorp
Classification: Uncertain significance for Familial focal epilepsy with variable foci. Last evaluated: 2025-01-02. Review status: criteria provided, single submitter. Criteria: Invitae Variant Classification Sherloc (09022015). Collection method: clinical testing. Allele origin: germline.
Comment: This sequence change replaces valine, which is neutral and non-polar, with methionine, which is neutral and non-polar, at codon 1360 of the DEPDC5 protein (p.Val1360Met). This variant is present in population databases (rs748965468, gnomAD 0.01%). This variant has not been reported in the literature in individuals affected with DEPDC5-related conditions. ClinVar contains an entry for this variant (Variation ID: 2186893). Experimental studies and prediction algorithms are not available or were not evaluated, and the functional significance of this variant is currently unknown. In summary, the available evidence is currently insufficient to determine the role of this variant in disease. Therefore, it has been classified as a Variant of Uncertain Significance.

Ambry Genetics
Classification: Likely benign for Inborn genetic diseases. Last evaluated: 2024-09-10. Review status: criteria provided, single submitter. Criteria: Ambry Variant Classification Scheme 2023. Collection method: clinical testing. Allele origin: germline.

PreventionGenetics, part of Exact Sciences
Classification: Uncertain significance for DEPDC5-related condition. Last evaluated: 2024-01-05. Review status: no assertion criteria provided. Collection method: clinical testing. Allele origin: germline. Not counted in ClinVar's aggregate classification.
Comment: The DEPDC5 c.4078G>A variant is predicted to result in the amino acid substitution p.Val1360Met. To our knowledge, this variant has not been reported in the literature. This variant is reported in 0.013% of alleles in individuals of South Asian descent in gnomAD. At this time, the clinical significance of this variant is uncertain due to the absence of conclusive functional and genetic evidence.

NM_001242896.3(DEPDC5):c.4078G>A (p.Val1360Met)

Gene: DEPDC5 (DEP domain containing 5, GATOR1 subcomplex subunit; plus strand). Cytogenetic location: 22q12.3.
Variant type: single nucleotide variant.
Coding change: c.4078G>A on transcript NM_001242896.3 (MANE Select); coding-DNA position 4078, G replaced by A.
Protein change: p.Val1360Met; replaces valine 1360 with methionine.
Molecular consequence: missense variant. On other transcripts: non-coding transcript variant (5).
Genome position (GRCh38, 1-based): chr22:31,893,626, G>A. VCF-style: chr22-31893626-G-A. GRCh37 (hg19) VCF-style: chr22-32289612-G-A.
Other names: c.4051G>A, p.Val1351Met (NM_001136029.4); c.3778G>A, p.Val1260Met (NM_001242897.2); c.4012G>A, p.Val1338Met (NM_001363852.2, NM_001364320.2); c.3844G>A, p.Val1282Met (NM_001363854.2, NM_001364319.2); c.4078G>A, p.Val1360Met (NM_001364318.2); c.3994G>A, p.Val1332Met (NM_001369901.1, NM_001369902.1); c.3985G>A, p.Val1329Met (NM_001369903.1, NM_014662.6); c.4078G>A (NM_001242896.1); short protein forms V1360M, V1282M, V1351M, V1260M, V1329M, V1332M, V1338M.
Identifiers: ClinVar variation 2186893 (VCV002186893.7), dbSNP rs748965468, ClinGen allele CA10197174.